The following is an entry in ClinVar:

NM_000503.6(EYA1):c.1199+8C>T

Gene: EYA1 (EYA transcriptional coactivator and phosphatase 1; minus strand). Cytogenetic location: 8q13.3.
Variant type: single nucleotide variant.
Coding change: c.1199+8C>T on transcript NM_000503.6 (MANE Select); 8 bases into the intron after coding-DNA position 1199, C replaced by T.
Molecular consequence: intron variant.
Genome position (GRCh38, 1-based): chr8:71,216,957, G>A on the plus strand (C>T on the coding strand, the complement: EYA1 is on the minus strand). VCF-style: chr8-71216957-G-A. GRCh37 (hg19) VCF-style: chr8-72129192-G-A.
Other names: c.1178+8C>T (NM_001370336.1); c.1286+8C>T (NM_001370333.1); c.1199+8C>T (NM_001370335.1, NM_001370334.1, NM_172058.4 and 1 more transcripts); c.1181+8C>T (NM_172059.5, NM_001288574.2); c.833+8C>T (NM_001288575.2).
Identifiers: ClinVar variation 1567358 (VCV001567358.10), dbSNP rs770687311, ClinGen allele CA4779538.
Genomic context (GRCh38, chr8:71,216,957, plus strand): 5'-CCATCTTAATTAGGTAAGTAATTAAACTATAAAAGGGAGATGGTCACTTCACATTCAAGG[G>A]TGCTCACCTTAGGTCCTGTCCGTTATCATCTGAAGAAACATCATCTATATGGACTTGGTC-3'

ClinVar aggregate classification (germline): Likely benign. Review status: criteria provided, single submitter (1 of 4 stars). 2 submissions from 2 submitters: Likely benign (1). 1 of the submissions does not count toward it. Last evaluated 2022-10-04.

Conditions:
Melnick-Fraser syndrome (BOR). Also called: Branchio-oto-renal syndrome; Branchiootorenal syndrome; Branchiootorenal Syndrome (BORS). Identifiers: Orphanet 107, MedGen C0265234, MONDO:0007029.
EYA1-related disorder. Also called: EYA1-related condition.

Allele frequency attached by ClinVar (database versions not stated): ExAC 0.00001; gnomAD exomes 0.00001 and 0.00002; gnomAD 0.00002; TOPMed 0.00003.
gnomAD v4.1: 8 of 1,612,944 alleles (0.0005%); highest among the groups gnomAD compares: Admixed American, 0.0083%; no homozygotes.

Submissions (2):

Labcorp Genetics (formerly Invitae), Labcorp
Classification: Likely benign for Melnick-Fraser syndrome. Last evaluated: 2022-10-04. Review status: criteria provided, single submitter. Criteria: Invitae Variant Classification Sherloc (09022015). Collection method: clinical testing. Allele origin: germline.

PreventionGenetics, part of Exact Sciences
Classification: Likely benign for EYA1-related condition. Last evaluated: 2020-07-01. Review status: no assertion criteria provided. Collection method: clinical testing. Allele origin: germline. Not counted in ClinVar's aggregate classification.
Comment: This variant is classified as likely benign based on ACMG/AMP sequence variant interpretation guidelines (Richards et al. 2015 PMID: 25741868, with internal and published modifications).